The following is an entry in ClinVar:

ClinVar aggregate classification (germline): Pathogenic/Likely pathogenic. Review status: criteria provided, multiple submitters, no conflicts (2 of 4 stars). 4 submissions from 4 submitters: Pathogenic (1); Likely pathogenic (3). Last evaluated 2024-11-24.

Conditions:
Spongy degeneration of central nervous system. Also called: ACY2 DEFICIENCY; AMINOACYLASE 2 DEFICIENCY; ASP DEFICIENCY; ASPA DEFICIENCY; ASPARTOACYLASE DEFICIENCY; CANAVAN-VAN BOGAERT-BERTRAND DISEASE. Identifiers: Orphanet 141, MedGen C0206307, MONDO:0010079, OMIM 271900.

Submissions (4):

Natera, Inc.
Classification: Likely pathogenic for Canavan Disease. Last evaluated: 2024-11-24. Review status: criteria provided, single submitter. Criteria: Natera Variant Classification Schema (03/2026). Collection method: clinical testing. Allele origin: germline.
Comment: The c.609delT variant in ASPA is a frameshift variant predicted to shift the reading frame beginning at codon 204 and leads to a stop codon 23 codons downstream. This variant is expected to result in nonsense mediated decay, truncation, or a dysfunctional protein product. This variant is rare in the general population with a frequency below the threshold expected for the associated phenotype(s). Given the available evidence, this variant is classified as Likely Pathogenic.

Fulgent Genetics
Classification: Likely pathogenic for Spongy degeneration of central nervous system. Last evaluated: 2024-04-10. Review status: criteria provided, single submitter. Criteria: ACMG Guidelines, 2015. Collection method: clinical testing. Allele origin: germline.

Baylor Genetics
Classification: Likely pathogenic for Spongy degeneration of central nervous system. Last evaluated: 2024-03-06. Review status: criteria provided, single submitter. Criteria: ACMG Guidelines, 2015. Collection method: clinical testing. Allele origin: unknown.

Labcorp Genetics (formerly Invitae), Labcorp
Classification: Pathogenic for Spongy degeneration of central nervous system. Last evaluated: 2023-06-14. Review status: criteria provided, single submitter. Criteria: Invitae Variant Classification Sherloc (09022015). Collection method: clinical testing. Allele origin: germline.
Comment: For these reasons, this variant has been classified as Pathogenic. ClinVar contains an entry for this variant (Variation ID: 813439). This variant has not been reported in the literature in individuals affected with ASPA-related conditions. This variant is not present in population databases (gnomAD no frequency). This sequence change creates a premature translational stop signal (p.Asp204Ilefs*23) in the ASPA gene. It is expected to result in an absent or disrupted protein product. Loss-of-function variants in ASPA are known to be pathogenic (PMID: 12638939).

Literature cited by the submitters: PubMed 12638939 (cited by Labcorp Genetics (formerly Invitae), Labcorp).

NM_000049.4(ASPA):c.609del (p.Asp204fs)

Genes: ASPA (aspartoacylase; plus strand), SPATA22 (spermatogenesis associated 22; minus strand). Cytogenetic location: 17p13.2.
Variant type: Deletion.
Coding change: c.609del on transcript NM_000049.4 (MANE Select); coding-DNA position 609, one base deleted (T; older notation c.609delT).
Protein change: p.Asp204fs; shifts the reading frame from aspartic acid 204.
Molecular consequence: frameshift variant. On other transcripts: intron variant (2).
Genome position (GRCh38, 1-based): chr17:3,489,317, T deleted; the last of 2 consecutive T bases (chr17:3,489,316-3,489,317); deleting either gives the same sequence. VCF-style (leftmost placement, unchanged base first): chr17-3489315-CT-C. GRCh37 (hg19) VCF-style: chr17-3392609-CT-C.
Other names: c.609delT (NM_000049.2); c.609del, p.Asp204fs (NM_001128085.1); c.-73-19918del (NM_001321336.2, NM_001321337.2); short protein forms D204fs.
Identifiers: ClinVar variation 813439 (VCV000813439.8), dbSNP rs1597439149, ClinGen allele CA915949465.